The following is an entry in ClinVar:

NM_000900.5(MGP):c.*140T>C

Gene: MGP (matrix Gla protein; minus strand). Cytogenetic location: 12p12.3.
Variant type: single nucleotide variant.
Coding change: c.*140T>C on transcript NM_000900.5 (MANE Select); 140 bases downstream of the stop codon, T replaced by C.
Molecular consequence: 3 prime UTR variant.
Genome position (GRCh38, 1-based): chr12:14,881,999, A>G on the plus strand (T>C on the coding strand, the complement: MGP is on the minus strand). VCF-style: chr12-14881999-A-G. GRCh37 (hg19) VCF-style: chr12-15034933-A-G.
Other names: c.*140T>C (NM_001190839.3).
Identifiers: ClinVar variation 307767 (VCV000307767.5), dbSNP rs148802642, ClinGen allele CA10632288.

ClinVar aggregate classification (germline): Likely benign (1 of 4 stars; one submission).

Conditions:
Keutel syndrome (KTLS). Identifiers: Orphanet 85202, MedGen C1855607, MONDO:0009495, OMIM 245150.

Allele frequency attached by ClinVar (database versions not stated): gnomAD exomes 0.00029; 1000 Genomes Project 0.00180; 1000 Genomes Project 30x 0.00187; gnomAD 0.00302 and 0.00331; TOPMed 0.00320.

Submission:

Illumina Laboratory Services, Illumina
Classification: Likely benign for Keutel syndrome. Last evaluated: 2018-01-13. Review status: criteria provided, single submitter. Criteria: ICSL Variant Classification Criteria 13 December 2019. Collection method: clinical testing. Allele origin: germline.
Comment: This variant was observed in the ICSL laboratory as part of a predisposition screen in an ostensibly healthy population. It had not been previously curated by ICSL or reported in the Human Gene Mutation Database (HGMD: prior to June 1st, 2018), and was therefore a candidate for classification through an automated scoring system. Utilizing variant allele frequency, disease prevalence and penetrance estimates, and inheritance mode, an automated score was calculated to assess if this variant is too frequent to cause the disease. Based on the score and internal cut-off values, a variant classified as likely benign is not then subjected to further curation. The score for this variant resulted in a classification of likely benign for this disease.